The following is an entry in ClinVar:

ClinVar aggregate classification (germline): Uncertain significance (1 of 4 stars; one submission).

Allele frequency attached by ClinVar (database versions not stated): ExAC 0.00001; gnomAD exomes 0.00001.
gnomAD v4.1: 8 of 1,613,992 alleles (0.0005%); highest among the groups gnomAD compares: Non-Finnish European, 0.00059%; no homozygotes.

Submission:

Ambry Genetics
Classification: Uncertain significance. Last evaluated: 2024-03-09. Review status: criteria provided, single submitter. Criteria: Ambry Variant Classification Scheme 2023. Collection method: clinical testing. Allele origin: germline.
Comment: The p.V645M variant (also known as c.1933G>A), located in coding exon 17 of the RAD54L gene, results from a G to A substitution at nucleotide position 1933. The valine at codon 645 is replaced by methionine, an amino acid with highly similar properties. This amino acid position is conserved. In addition, the in silico prediction for this alteration is inconclusive. Since supporting evidence is limited at this time, the clinical significance of this alteration remains unclear.

NM_003579.4(RAD54L):c.1933G>A (p.Val645Met)

Genes: LRRC41 (leucine rich repeat containing 41; minus strand), RAD54L (RAD54 like; plus strand). Cytogenetic location: 1p34.1.
Variant type: single nucleotide variant.
Coding change: c.1933G>A on transcript NM_003579.4 (MANE Select); coding-DNA position 1933, G replaced by A.
Protein change: p.Val645Met; replaces valine 645 with methionine.
Molecular consequence: missense variant. On other transcripts: 3 prime UTR variant (1).
Genome position (GRCh38, 1-based): chr1:46,277,880, G>A. VCF-style: chr1-46277880-G-A. GRCh37 (hg19) VCF-style: chr1-46743552-G-A.
Other names: c.*985C>T (NM_006369.5); c.1933G>A, p.Val645Met (NM_001142548.2); c.1393G>A, p.Val465Met (NM_001370766.1); short protein forms V645M, V465M.
Identifiers: ClinVar variation 1782920 (VCV001782920.2), dbSNP rs777452412, ClinGen allele CA834772.